The following is an entry in ClinVar:

NM_007194.4(CHEK2):c.592+4A>T

Gene: CHEK2 (checkpoint kinase 2; minus strand). Cytogenetic location: 22q12.1.
Variant type: single nucleotide variant.
Coding change: c.592+4A>T on transcript NM_007194.4 (MANE Select); 4 bases into the intron after coding-DNA position 592, A replaced by T.
Molecular consequence: intron variant.
Genome position (GRCh38, 1-based): chr22:28,724,973, T>A on the plus strand (A>T on the coding strand, the complement: CHEK2 is on the minus strand). VCF-style: chr22-28724973-T-A. GRCh37 (hg19) VCF-style: chr22-29120961-T-A.
Other names: c.-72+4A>T (NM_001437942.1); c.445-50A>T (NM_001349956.3); c.592+4A>T (NM_145862.3); c.-186+4A>T (NM_001257387.3); c.685+4A>T (NM_001438295.1, NM_001438293.1); c.721+4A>T (NM_001438294.1, NM_001005735.3).
Identifiers: ClinVar variation 959233 (VCV000959233.8), dbSNP rs375905418, ClinGen allele CA1139666370.

ClinVar aggregate classification (germline): Uncertain significance (1 of 4 stars; one submission).

Conditions:
Familial cancer of breast. Also called: BREAST CANCER, FAMILIAL; Hereditary breast cancer; hereditary breast carcinoma. Identifiers: Orphanet 227535, MedGen C0346153, MONDO:0016419, OMIM 114480. Disease mechanism: loss of function.

Submission:

Labcorp Genetics (formerly Invitae), Labcorp
Classification: Uncertain significance for Familial cancer of breast. Last evaluated: 2019-07-30. Review status: criteria provided, single submitter. Criteria: Invitae Variant Classification Sherloc (09022015). Collection method: clinical testing. Allele origin: germline.
Comment: This variant has not been reported in the literature in individuals with CHEK2-related conditions. In summary, the available evidence is currently insufficient to determine the role of this variant in disease. Therefore, it has been classified as a Variant of Uncertain Significance. Nucleotide substitutions within the consensus splice site are a relatively common cause of aberrant splicing (PMID: 17576681, 9536098). Algorithms developed to predict the effect of sequence changes on RNA splicing suggest that this variant may disrupt the consensus splice site, but this prediction has not been confirmed by published transcriptional studies. This variant is not present in population databases (ExAC no frequency). This sequence change falls in intron 4 of the CHEK2 gene. It does not directly change the encoded amino acid sequence of the CHEK2 protein, but it affects a nucleotide within the consensus splice site of the intron.

Literature cited by the submitters: PubMed 17576681; PubMed 9536098.